The following is an entry in ClinVar:

ClinVar aggregate classification (germline): Uncertain significance (1 of 4 stars; one submission).

Conditions:
Hereditary cancer-predisposing syndrome. Also called: Hereditary Cancer Syndrome; Neoplastic Syndromes, Hereditary; Tumor predisposition; Hereditary neoplastic syndrome. Identifiers: Orphanet 140162, MedGen C0027672, MeSH D009386, MONDO:0015356.

Submission:

Ambry Genetics
Classification: Uncertain significance for Hereditary cancer-predisposing syndrome. Last evaluated: 2026-07-12. Review status: criteria provided, single submitter. Criteria: Ambry Variant Classification Scheme 2023. Collection method: clinical testing. Allele origin: germline.
Comment: The p.V902A variant (also known as c.2705T>C), located in coding exon 23 of the EGFR gene, results from a T to C substitution at nucleotide position 2705. The valine at codon 902 is replaced by alanine, an amino acid with similar properties. This amino acid position is conserved. In addition, this alteration is predicted to be deleterious by in silico analysis. Based on the available evidence, the clinical significance of this variant remains unclear.

NM_005228.5(EGFR):c.2705T>C (p.Val902Ala)

Gene: EGFR (epidermal growth factor receptor; plus strand). Cytogenetic location: 7p11.2.
Variant type: single nucleotide variant.
Coding change: c.2705T>C on transcript NM_005228.5 (MANE Select); coding-DNA position 2705, T replaced by C.
Protein change: p.Val902Ala; replaces valine 902 with alanine.
Molecular consequence: missense variant.
Genome position (GRCh38, 1-based): chr7:55,198,720, T>C. VCF-style: chr7-55198720-T-C. GRCh37 (hg19) VCF-style: chr7-55266413-T-C.
Other names: c.2570T>C, p.Val857Ala (NM_001346897.2, NM_001346899.2); c.2705T>C, p.Val902Ala (NM_001346898.2); c.2546T>C, p.Val849Ala (NM_001346900.2); c.1904T>C, p.Val635Ala (NM_001346941.2); short protein forms V635A, V849A, V857A, V902A.
Identifiers: ClinVar variation 5035795 (VCV005035795.1).